The following is an entry in ClinVar:

ClinVar aggregate classification (germline): Conflicting classifications of pathogenicity. Review status: criteria provided, conflicting classifications (1 of 4 stars). 3 submissions from 3 submitters: Uncertain significance (2); Likely benign (1). Last evaluated 2024-11-05.

Conditions:
Familial sleep-related hypermotor epilepsy. Also called: Autosomal Dominant Sleep-Related Hypermotor (Hyperkinetic) Epilepsy. Identifiers: Orphanet 98784, MedGen C3696898, MONDO:0000030.
Inborn genetic diseases. Identifiers: MedGen C0950123, MeSH D030342.
Autosomal dominant nocturnal frontal lobe epilepsy 1. Also called: EPILEPSY, NOCTURNAL FRONTAL LOBE, TYPE 1; CHRNA4-Related Nocturnal Frontal Lobe Epilepsy, Autosomal Dominant. Identifiers: Orphanet 98784, MedGen C1838049, MONDO:0010899, OMIM 600513.

Allele frequency attached by ClinVar (database versions not stated): ExAC 0.00006; gnomAD 0.00003; TOPMed 0.00002; ESP Exome Variant Server 0.00008.
gnomAD v4.1: 34 of 1,607,182 alleles (0.0021%); highest among the groups gnomAD compares: South Asian, 0.025%; no homozygotes.

Submissions (3):

Labcorp Genetics (formerly Invitae), Labcorp
Classification: Uncertain significance. Last evaluated: 2024-11-05. Review status: criteria provided, single submitter. Criteria: Invitae Variant Classification Sherloc (09022015). Collection method: clinical testing. Allele origin: germline.
Comment: This sequence change replaces serine, which is neutral and polar, with leucine, which is neutral and non-polar, at codon 539 of the CHRNA4 protein (p.Ser539Leu). This variant is present in population databases (rs375524982, gnomAD 0.03%). This variant has not been reported in the literature in individuals affected with CHRNA4-related conditions. ClinVar contains an entry for this variant (Variation ID: 1776494). Invitae Evidence Modeling of protein sequence and biophysical properties (such as structural, functional, and spatial information, amino acid conservation, physicochemical variation, residue mobility, and thermodynamic stability) indicates that this missense variant is not expected to disrupt CHRNA4 protein function with a negative predictive value of 80%. In summary, the available evidence is currently insufficient to determine the role of this variant in disease. Therefore, it has been classified as a Variant of Uncertain Significance.

Revvity Omics, Revvity
Classification: Uncertain significance for Autosomal dominant nocturnal frontal lobe epilepsy 1. Last evaluated: 2023-11-01. Review status: criteria provided, single submitter. Criteria: ACMG Guidelines, 2015. Collection method: clinical testing. Allele origin: germline.

Ambry Genetics
Classification: Likely benign for Inborn genetic diseases. Last evaluated: 2019-01-24. Review status: criteria provided, single submitter. Criteria: Ambry Variant Classification Scheme 2023. Collection method: clinical testing. Allele origin: germline.

NM_000744.7(CHRNA4):c.1616C>T (p.Ser539Leu)

Gene: CHRNA4 (cholinergic receptor nicotinic alpha 4 subunit; minus strand). Cytogenetic location: 20q13.33.
Variant type: single nucleotide variant.
Coding change: c.1616C>T on transcript NM_000744.7 (MANE Select); coding-DNA position 1616, C replaced by T.
Protein change: p.Ser539Leu; replaces serine 539 with leucine.
Molecular consequence: missense variant. On other transcripts: non-coding transcript variant (1).
Genome position (GRCh38, 1-based): chr20:63,349,795, G>A on the plus strand (C>T on the coding strand, the complement: CHRNA4 is on the minus strand). VCF-style: chr20-63349795-G-A. GRCh37 (hg19) VCF-style: chr20-61981147-G-A.
Other names: c.1088C>T, p.Ser363Leu (NM_001256573.2); c.1616C>T (NM_000744.6); short protein forms S363L, S539L.
Identifiers: ClinVar variation 1776494 (VCV001776494.9), dbSNP rs375524982, ClinGen allele CA9957567.